The following is an entry in ClinVar:

ClinVar aggregate classification (germline): Uncertain significance. Review status: criteria provided, multiple submitters, no conflicts (2 of 4 stars). 2 submissions from 2 submitters: Uncertain significance (2). Last evaluated 2025-04-24.

Conditions:
Hereditary cancer-predisposing syndrome. Also called: Tumor predisposition; Neoplastic Syndromes, Hereditary; Hereditary Cancer Syndrome; Hereditary neoplastic syndrome. Identifiers: Orphanet 140162, MedGen C0027672, MeSH D009386, MONDO:0015356.
Hereditary diffuse gastric adenocarcinoma (HDGC). Also called: DIFFUSE GASTRIC AND LOBULAR BREAST CANCER SYNDROME. Identifiers: Orphanet 26106, MedGen C1708349, MONDO:0007648, OMIM 137215.

gnomAD v4.1: 1 of 1,613,666 alleles (0.000062%); highest among the groups gnomAD compares: Non-Finnish European, 0.000085%; no homozygotes.

Submissions (2):

Labcorp Genetics (formerly Invitae), Labcorp
Classification: Uncertain significance for Hereditary diffuse gastric adenocarcinoma. Last evaluated: 2025-04-24. Review status: criteria provided, single submitter. Criteria: Invitae Variant Classification Sherloc (09022015). Collection method: clinical testing. Allele origin: germline.
Comment: This sequence change replaces proline, which is neutral and non-polar, with threonine, which is neutral and polar, at codon 708 of the CDH1 protein (p.Pro708Thr). This variant is not present in population databases (gnomAD no frequency). This variant has not been reported in the literature in individuals affected with CDH1-related conditions. ClinVar contains an entry for this variant (Variation ID: 406645). An algorithm developed to predict the effect of missense changes on protein structure and function (PolyPhen-2) suggests that this variant is likely to be disruptive. In summary, the available evidence is currently insufficient to determine the role of this variant in disease. Therefore, it has been classified as a Variant of Uncertain Significance.

Ambry Genetics
Classification: Uncertain significance for Hereditary cancer-predisposing syndrome. Last evaluated: 2024-07-12. Review status: criteria provided, single submitter. Criteria: Ambry Variant Classification Scheme 2023. Collection method: clinical testing. Allele origin: germline.
Comment: The p.P708T variant (also known as c.2122C>A), located in coding exon 13 of the CDH1 gene, results from a C to A substitution at nucleotide position 2122. The proline at codon 708 is replaced by threonine, an amino acid with highly similar properties. This amino acid position is not well conserved in available vertebrate species. In addition, this alteration is predicted to be tolerated by in silico analysis. Based on the available evidence, the clinical significance of this variant remains unclear.

NM_004360.5(CDH1):c.2122C>A (p.Pro708Thr)

Gene: CDH1 (cadherin 1; plus strand). Cytogenetic location: 16q22.1.
Variant type: single nucleotide variant.
Coding change: c.2122C>A on transcript NM_004360.5 (MANE Select); coding-DNA position 2122, C replaced by A.
Protein change: p.Pro708Thr; replaces proline 708 with threonine.
Molecular consequence: missense variant.
Genome position (GRCh38, 1-based): chr16:68,823,584, C>A. VCF-style: chr16-68823584-C-A. GRCh37 (hg19) VCF-style: chr16-68857487-C-A.
Other names: c.2122C>A (LRG_301t1); c.1939C>A, p.Pro647Thr (NM_001317184.2); c.574C>A, p.Pro192Thr (NM_001317185.2); c.157C>A, p.Pro53Thr (NM_001317186.2); short protein forms P708T, P647T, P192T, P53T.
Identifiers: ClinVar variation 406645 (VCV000406645.13), dbSNP rs1060501233, ClinGen allele CA16614982.
Genomic context (GRCh38, chr16:68,823,584, plus strand): 5'-TGTGAAGGGGCCGCTGGCGTCTGTAGGAAGGCACAGCCTGTCGAAGCAGGATTGCAAATT[C>A]CTGCCATTCTGGGGATTCTTGGAGGAATTCTTGCTTTGCTAAGTAAGTCCAGCTGGCAAG-3'
Protein context (NP_004351.1, residues 698-718): AQPVEAGLQI[Pro708Thr]AILGILGGIL